The following is an entry in ClinVar:

ClinVar aggregate classification (germline): Conflicting classifications of pathogenicity. Review status: criteria provided, conflicting classifications (1 of 4 stars). 10 submissions from 10 submitters: Pathogenic (5); Likely pathogenic (3); Uncertain significance (1). 1 of the submissions does not count toward it. Last evaluated 2026-01-20.

Conditions:
Familial hypokalemia-hypomagnesemia (GTLMNS). Also called: POTASSIUM AND MAGNESIUM DEPLETION; HYPOMAGNESEMIA-HYPOKALEMIA, PRIMARY RENOTUBULAR, WITH HYPOCALCIURIA; gitelman syndrome. Identifiers: Orphanet 358, MedGen C0268450, MONDO:0009904, OMIM 263800.
Bartter syndrome. Identifiers: Orphanet 112, MedGen C0004775, MONDO:0015231.
SLC12A3-related disorder. Also called: SLC12A3-related condition.

Allele frequency attached by ClinVar (database versions not stated): ExAC 0.00004; TOPMed 0.00004; gnomAD 0.00006; 1000 Genomes Project 0.00020; 1000 Genomes Project 30x 0.00031.
gnomAD v4.1: 90 of 1,613,952 alleles (0.0056%); highest among the groups gnomAD compares: Admixed American, 0.0067%; no homozygotes.

Submissions (10):

Natera, Inc.
Classification: Pathogenic for Gitelman syndrome. Last evaluated: 2026-01-20. Review status: criteria provided, single submitter. Criteria: Natera Variant Classification Schema (03/2026). Collection method: clinical testing. Allele origin: germline.
Comment: The c.2890C>T variant in SLC12A3 is a missense variant predicted to cause substitution of arginine to tryptophan at amino acid 964. This variant is rare in the general population with a frequency below the threshold expected for the associated phenotype(s). This variant has been observed in one or more individuals affected with the associated recessive disease, as either homozygous or compound heterozygous with a second variant (PMID: 15824853, 21415153). A different variant at the same position has been determined to be Pathogenic or Likely Pathogenic. Computational prediction algorithms indicate this variant is likely to affect gene or protein function. Given the available evidence, this variant is classified as Pathogenic.

PreventionGenetics, part of Exact Sciences
Classification: Pathogenic for SLC12A3-related condition. Last evaluated: 2025-08-29. Review status: criteria provided, single submitter. Criteria: ACMG Guidelines, 2015. Collection method: clinical testing. Allele origin: germline.
Comment: The SLC12A3 c.2890C>T variant is predicted to result in the amino acid substitution p.Arg964Trp. This variant has been reported in the compound heterozygous state in multiple individuals with Gitelman syndrome (Vargas-Poussou et al. 2011. PubMed ID: 21415153; Table S1, Hureaux et al. 2019. PubMed ID: 31672324; Ma et al. 2020. PubMed ID: 33306824). This variant is reported in 0.0062% of alleles in individuals of European (non-Finnish) descent in gnomAD. An alternate missense change impacting the same amino acid (p.Arg964Gln) has been reported in both the homozygous and compound heterozygous states in individuals with Gitelman syndrome (see for example: Table S1, Fujimura et al. 2018. PubMed ID: 30596175). Taken together, the c.2890C>T (p.Arg964Trp) variant is interpreted as pathogenic.

GeneDx
Classification: Uncertain significance. Last evaluated: 2025-05-24. Review status: criteria provided, single submitter. Criteria: GeneDx Variant Classification Process June 2021. Collection method: clinical testing. Allele origin: germline. Affected: yes.
Comment: In silico analysis supports that this missense variant has a deleterious effect on protein structure/function; This variant is associated with the following publications: (PMID: 31589614, 33306824, 21415153, 31672324, 28844315)

First Genomix Gene Laboratory, Genetic Diagnostics Department
Classification: Likely pathogenic for Familial hypokalemia-hypomagnesemia. Last evaluated: 2025-05-23. Review status: criteria provided, single submitter. Criteria: ACMG Guidelines, 2015. Collection method: clinical testing. Allele origin: germline. Inheritance: Autosomal recessive inheritance. Affected: no. Observed: 1 variant allele.

Fulgent Genetics
Classification: Pathogenic for Familial hypokalemia-hypomagnesemia. Last evaluated: 2024-04-05. Review status: criteria provided, single submitter. Criteria: ACMG Guidelines, 2015. Collection method: clinical testing. Allele origin: germline.

Labcorp Genetics (formerly Invitae), Labcorp
Classification: Pathogenic. Last evaluated: 2024-02-19. Review status: criteria provided, single submitter. Criteria: Invitae Variant Classification Sherloc (09022015). Collection method: clinical testing. Allele origin: germline.
Comment: This sequence change replaces arginine, which is basic and polar, with tryptophan, which is neutral and slightly polar, at codon 964 of the SLC12A3 protein (p.Arg964Trp). This variant is present in population databases (rs559626481, gnomAD 0.006%). This missense change has been observed in individual(s) with Gitelman syndrome (PMID: 21415153, 31672324). In at least one individual the data is consistent with being in trans (on the opposite chromosome) from a pathogenic variant. ClinVar contains an entry for this variant (Variation ID: 319919). Advanced modeling of protein sequence and biophysical properties (such as structural, functional, and spatial information, amino acid conservation, physicochemical variation, residue mobility, and thermodynamic stability) performed at Invitae indicates that this missense variant is expected to disrupt SLC12A3 protein function with a positive predictive value of 95%. This variant disrupts the p.Arg964 amino acid residue in SLC12A3. Other variant(s) that disrupt this residue have been determined to be pathogenic (PMID: 8528245, 17654016, 21415153, 22214629, 30596175). This suggests that this residue is clinically significant, and that variants that disrupt this residue are likely to be disease-causing. For these reasons, this variant has been classified as Pathogenic.

Blueprint Genetics
Classification: Pathogenic for SLC12A3-related disorders. Last evaluated: 2023-09-14. Review status: criteria provided, single submitter. Criteria: ACMG Guidelines, 2015. Collection method: clinical testing. Allele origin: germline. Affected: yes. Observed: 5 variant alleles.

Genome-Nilou Lab
Classification: Likely pathogenic for Familial hypokalemia-hypomagnesemia. Last evaluated: 2021-07-15. Review status: criteria provided, single submitter. Criteria: ACMG Guidelines, 2015. Collection method: clinical testing. Allele origin: germline. Affected: no.

Illumina Laboratory Services, Illumina
Classification: Likely pathogenic for Familial hypokalemia-hypomagnesemia. Last evaluated: 2017-04-28. Review status: criteria provided, single submitter. Criteria: ICSL Variant Classification Criteria 09 May 2019. Collection method: clinical testing. Allele origin: germline.
Comment: The SLC12A3 c.2890C>T (p.Arg964Trp) missense variant has been reported in one study in which it was found in three unrelated patients with Gitelman syndrome in a compound heterozygous state with a second missense variant (Vargas-Poussou et al. 2011). The p.Arg964Trp variant was absent from 420 control chromosomes and is reported at a frequency of 0.00004 in the European (non-Finnish) population of the Exome Aggregation Consortium. The Arg964 residue is conserved. Another missense variant at the same amino acid position (p.Arg964Gln) has also been observed in patients. Based on the evidence, the p.Arg964Trp variant is classified as likely pathogenic for Gitelman syndrome. This variant was observed by ICSL as part of a predisposition screen in an ostensibly healthy population.

Sydney Genome Diagnostics, Children's Hospital Westmead
Classification: Likely pathogenic for Familial hypokalemia-hypomagnesemia; Bartter syndrome. Last evaluated: 2018-10-24. Review status: no assertion criteria provided. Collection method: clinical testing. Allele origin: unknown. Affected: yes. Observed: 1 variant allele, 1 compound heterozygote. Not counted in ClinVar's aggregate classification.
Comment: This variant has been reported in the ExAC database with a very low allele frequency of 0.0041% (5 out of 121408 alleles). This variant has been previously reported in trans with other SLC12A3 variants in patients with Gitelman syndrome in the literature (Vargas-Poussou et al 2011 J Am Soc Nephrol 22:693-703).

Literature cited by the submitters: PubMed 15824853 (cited by Natera, Inc.); PubMed 21415153 (cited by 3 submitters); PubMed 31672324 (cited by Labcorp Genetics (formerly Invitae), Labcorp); PubMed 8528245 (cited by Labcorp Genetics (formerly Invitae), Labcorp); PubMed 17654016 (cited by Labcorp Genetics (formerly Invitae), Labcorp); PubMed 22214629 (cited by Labcorp Genetics (formerly Invitae), Labcorp); PubMed 30596175 (cited by Labcorp Genetics (formerly Invitae), Labcorp).

NM_001126108.2(SLC12A3):c.2863C>T (p.Arg955Trp)

Gene: SLC12A3 (solute carrier family 12 member 3; plus strand). Cytogenetic location: 16q13.
Variant type: single nucleotide variant.
Coding change: c.2863C>T on transcript NM_001126108.2 (MANE Select); coding-DNA position 2863, C replaced by T.
Protein change: p.Arg955Trp; replaces arginine 955 with tryptophan.
Molecular consequence: missense variant.
Genome position (GRCh38, 1-based): chr16:56,904,401, C>T. VCF-style: chr16-56904401-C-T. GRCh37 (hg19) VCF-style: chr16-56938313-C-T.
Other names: c.2890C>T, p.Arg964Trp (NM_000339.3); c.2887C>T, p.Arg963Trp (NM_001126107.2); short protein forms R964W, R955W, R963W.
Identifiers: ClinVar variation 319919 (VCV000319919.22), dbSNP rs559626481, ClinGen allele CA8070131.